The following is an entry in ClinVar:

ClinVar aggregate classification (germline): Conflicting classifications of pathogenicity. Review status: criteria provided, conflicting classifications (1 of 4 stars). 6 submissions from 6 submitters: Uncertain significance (2); Likely benign (3). 1 of the submissions does not count toward it. Last evaluated 2026-02-04.

Conditions:
Junctional epidermolysis bullosa gravis of Herlitz. Also called: Epidermolysis Bullosa Letalis; EPIDERMOLYSIS BULLOSA JUNCTIONALIS, HERLITZ TYPE; EPIDERMOLYSIS BULLOSA, JUNCTIONAL, HERLITZ-PEARSON TYPE; JEB-HERLITZ TYPE; EPIDERMOLYSIS BULLOSA, JUNCTIONAL 1B, SEVERE; Herlitz-type junctional epidermolysis bullosa. Identifiers: Orphanet 79404, MedGen C0079683, MONDO:0009182, OMIM 226700.
Amelogenesis imperfecta type 1A. Also called: AMELOGENESIS IMPERFECTA, HYPOPLASTIC TYPE IA; Amelogenesis imperfecta local hypoplastic; Amelogenesis imperfecta, hypoplastic type; Amelogenesis imperfecta, type IA. Identifiers: Orphanet 88661, MedGen C4011403, MONDO:0007094, OMIM 104530.
Junctional epidermolysis bullosa, non-Herlitz type. Also called: Adult junctional epidermolysis bullosa; EPIDERMOLYSIS BULLOSA JUNCTIONALIS, DISENTIS TYPE; EPIDERMOLYSIS BULLOSA JUNCTIONALIS, NON-HERLITZ TYPE; EPIDERMOLYSIS BULLOSA JUNCTIONALIS, PROGRESSIVE; EPIDERMOLYSIS BULLOSA JUNCTIONALIS, SEVERE NONLETHAL; Epidermolysis bullosa, junctional, non-herlitz type, somatic mosaic revertant. Identifiers: Orphanet 251393, Orphanet 79402, Orphanet 79405, Orphanet 89840, MedGen C0268374, MONDO:0009180, OMIM 226650.
Junctional epidermolysis bullosa. Identifiers: Orphanet 305, MedGen C0079301, MONDO:0017612.

Allele frequency attached by ClinVar (database versions not stated): 1000 Genomes Project 0.00040; 1000 Genomes Project 30x 0.00047; gnomAD 0.00111 and 0.00116; TOPMed 0.00113; gnomAD exomes 0.00115 and 0.00194; ExAC 0.00119; ESP Exome Variant Server 0.00177.
gnomAD v4.1: 3,015 of 1,614,150 alleles (0.19%); highest among the groups gnomAD compares: Non-Finnish European, 0.23%; 7 homozygotes.

Submissions (7):

Labcorp Genetics (formerly Invitae), Labcorp
Classification: Likely benign. Last evaluated: 2026-02-04. Review status: criteria provided, single submitter. Criteria: Invitae Variant Classification Sherloc (09022015). Collection method: clinical testing. Allele origin: germline.

CeGaT Center for Human Genetics Tuebingen
Classification: Likely benign. Last evaluated: 2025-03-01. Review status: criteria provided, single submitter. Criteria: CeGaT Center For Human Genetics Tuebingen Variant Classification Criteria Version 2. Collection method: clinical testing. Allele origin: germline. Affected: yes. Observed: 3 variant alleles.
Comment: LAMB3: BS2

Blueprint Genetics
Classification: Likely benign. Last evaluated: 2024-09-18. Review status: criteria provided, single submitter. Criteria: ACMG Guidelines, 2015. Collection method: clinical testing. Allele origin: germline.

Department of Pathology and Laboratory Medicine, Sinai Health System
Classification: Uncertain significance for Amelogenesis imperfecta type 1A; Junctional epidermolysis bullosa, non-Herlitz type; Junctional epidermolysis bullosa gravis of Herlitz. Last evaluated: 2022-04-01. Review status: criteria provided, single submitter. Criteria: ACMG Guidelines, 2015. Collection method: research. Allele origin: germline.

Illumina Laboratory Services, Illumina
Classification: Uncertain significance for Junctional epidermolysis bullosa. Last evaluated: 2017-04-27. Review status: criteria provided, single submitter. Criteria: ICSL Variant Classification Criteria 13 December 2019. Collection method: clinical testing. Allele origin: germline.
Comment: This variant was observed as part of a predisposition screen in an ostensibly healthy population. A literature search was performed for the gene, cDNA change, and amino acid change (where applicable). Publications were found based on this search. However, the evidence from the literature, in combination with allele frequency data from public databases where available, was not sufficient to rule this variant in or out of causing disease. Therefore, this variant is classified as a variant of unknown significance.

Counsyl
Classification: Uncertain significance for Junctional epidermolysis bullosa gravis of Herlitz. Last evaluated: 2018-01-05. Review status: no assertion criteria provided. Collection method: clinical testing. Allele origin: unknown. Not counted in ClinVar's aggregate classification.

Dr. Peter K. Rogan Lab, Western University
No classification provided (evidence only). Condition: Uterine corpus endometrial carcinoma. Review status: no classification provided. Collection method: in vitro. Allele origin: not applicable. Functional consequence: retained intron. Not counted in ClinVar's aggregate classification.

Literature cited by the submitters: PubMed 16473856 (cited by Illumina Laboratory Services, Illumina and Counsyl).

NM_000228.3(LAMB3):c.2945A>G (p.Asp982Gly)

Gene: LAMB3 (laminin subunit beta 3; minus strand). Cytogenetic location: 1q32.2.
Variant type: single nucleotide variant.
Coding change: c.2945A>G on transcript NM_000228.3 (MANE Select); coding-DNA position 2945, A replaced by G.
Protein change: p.Asp982Gly; replaces aspartic acid 982 with glycine.
Molecular consequence: missense variant.
Genome position (GRCh38, 1-based): chr1:209,618,013, T>C on the plus strand (A>G on the coding strand, the complement: LAMB3 is on the minus strand). VCF-style: chr1-209618013-T-C. GRCh37 (hg19) VCF-style: chr1-209791358-T-C.
Other names: c.2945A>G, p.Asp982Gly (NM_001017402.2, NM_001127641.1); short protein forms D982G.
Identifiers: ClinVar variation 556000 (VCV000556000.47), dbSNP rs140769823, ClinGen allele CA1375035.